The following is an entry in ClinVar:

ClinVar aggregate classification (germline): Uncertain significance (1 of 4 stars; one submission).

Conditions:
Generalized epilepsy with febrile seizures plus, type 7 (GEFSP7). Also called: GEFS+, TYPE 7. Identifiers: Orphanet 36387, MedGen C2751778, MONDO:0013470, OMIM 613863.
Neuropathy, hereditary sensory and autonomic, type 2A (HSAN2A). Also called: WNK1-Related HSAN2 (HSAN2A); HSAN IIA; MORVAN DISEASE; NEUROPATHY, CONGENITAL SENSORY; NEUROPATHY, HEREDITARY SENSORY RADICULAR, AUTOSOMAL RECESSIVE; NEUROPATHY, HEREDITARY SENSORY, TYPE IIA. Identifiers: Orphanet 970, MedGen C2752089, MONDO:0024309, OMIM 201300.

Submission:

Labcorp Genetics (formerly Invitae), Labcorp
Classification: Uncertain significance for Neuropathy, hereditary sensory and autonomic, type 2A; Generalized epilepsy with febrile seizures plus, type 7. Last evaluated: 2022-03-19. Review status: criteria provided, single submitter. Criteria: Invitae Variant Classification Sherloc (09022015). Collection method: clinical testing. Allele origin: germline.
Comment: This sequence change replaces aspartic acid, which is acidic and polar, with asparagine, which is neutral and polar, at codon 186 of the SCN9A protein (p.Asp186Asn). This variant has not been reported in the literature in individuals affected with SCN9A-related conditions. ClinVar contains an entry for this variant (Variation ID: 963911). Algorithms developed to predict the effect of missense changes on protein structure and function are either unavailable or do not agree on the potential impact of this missense change (SIFT: "Deleterious"; PolyPhen-2: "Possibly Damaging"; Align-GVGD: "Class C0"). In summary, the available evidence is currently insufficient to determine the role of this variant in disease. Therefore, it has been classified as a Variant of Uncertain Significance. This variant is not present in population databases (gnomAD no frequency).

NM_001365536.1(SCN9A):c.556G>A (p.Asp186Asn)

Gene: SCN9A (sodium voltage-gated channel alpha subunit 9; minus strand). Cytogenetic location: 2q24.3.
Variant type: single nucleotide variant.
Coding change: c.556G>A on transcript NM_001365536.1 (MANE Select); coding-DNA position 556, G replaced by A.
Protein change: p.Asp186Asn; replaces aspartic acid 186 with asparagine.
Molecular consequence: missense variant.
Genome position (GRCh38, 1-based): chr2:166,305,832, C>T on the plus strand (G>A on the coding strand, the complement: SCN9A is on the minus strand). VCF-style: chr2-166305832-C-T. GRCh37 (hg19) VCF-style: chr2-167162342-C-T.
Other names: c.556G>A, p.Asp186Asn (NM_002977.4); short protein forms D186N.
Identifiers: ClinVar variation 963911 (VCV000963911.10), dbSNP rs1698736573, ClinGen allele CA349095083.